The following is an entry in ClinVar:

ClinVar aggregate classification (germline): Likely pathogenic. Review status: criteria provided, multiple submitters, no conflicts (2 of 4 stars). 2 submissions from 2 submitters: Likely pathogenic (2). Last evaluated 2025-09-24.

Conditions:
RFT1-congenital disorder of glycosylation (CDG1N). Also called: Congenital disorder of glycosylation type In; RFT1-CDG; CDG In. Identifiers: Orphanet 244310, MedGen C2677590, MONDO:0012783, OMIM 612015.

Submissions (2):

Genesolutions, Medical Genetics Institutes, Ho Chi Minh City, Vietnam
Classification: Likely pathogenic for RFT1-congenital disorder of glycosylation. Last evaluated: 2025-09-24. Review status: criteria provided, single submitter. Criteria: ACMG Guidelines, 2015. Collection method: clinical testing. Allele origin: germline. Affected: yes.

Labcorp Genetics (formerly Invitae), Labcorp
Classification: Likely pathogenic for RFT1-congenital disorder of glycosylation. Last evaluated: 2024-11-18. Review status: criteria provided, single submitter. Criteria: Invitae Variant Classification Sherloc (09022015). Collection method: clinical testing. Allele origin: germline.
Comment: This sequence change creates a premature translational stop signal (p.Glu399*) in the RFT1 gene. It is expected to result in an absent or disrupted protein product. However, the current clinical and genetic evidence is not sufficient to establish whether loss-of-function variants in RFT1 cause disease. This variant is not present in population databases (gnomAD no frequency). This premature translational stop signal has been observed in individual(s) with RFT1-congenital disorder of glycosylation (internal data). In at least one individual the data is consistent with being in trans (on the opposite chromosome) from a pathogenic variant. ClinVar contains an entry for this variant (Variation ID: 1350291). In summary, the currently available evidence indicates that the variant is pathogenic, but additional data are needed to prove that conclusively. Therefore, this variant has been classified as Likely Pathogenic.

NM_052859.4(RFT1):c.1195G>T (p.Glu399Ter)

Gene: RFT1 (RFT1 glycolipid translocator homolog; minus strand). Cytogenetic location: 3p21.1.
Variant type: single nucleotide variant.
Coding change: c.1195G>T on transcript NM_052859.4 (MANE Select); coding-DNA position 1195, G replaced by T.
Protein change: p.Glu399Ter; replaces glutamic acid 399 with a stop codon.
Molecular consequence: nonsense.
Genome position (GRCh38, 1-based): chr3:53,099,394, C>A on the plus strand (G>T on the coding strand, the complement: RFT1 is on the minus strand). VCF-style: chr3-53099394-C-A. GRCh37 (hg19) VCF-style: chr3-53133410-C-A.
Other names: short protein forms E399*.
Identifiers: ClinVar variation 1350291 (VCV001350291.6), dbSNP rs2107094933, ClinGen allele CA353227959.